The following is an entry in ClinVar:

NM_003072.5(SMARCA4):c.3353A>G (p.Tyr1118Cys)

Gene: SMARCA4 (SWI/SNF related BAF chromatin remodeling complex subunit ATPase 4; plus strand). Cytogenetic location: 19p13.2.
Variant type: single nucleotide variant.
Coding change: c.3353A>G on transcript NM_003072.5 (MANE Select); coding-DNA position 3353, A replaced by G.
Protein change: p.Tyr1118Cys; replaces tyrosine 1118 with cysteine.
Molecular consequence: missense variant. On other transcripts: non-coding transcript variant (1).
Genome position (GRCh38, 1-based): chr19:11,027,921, A>G. VCF-style: chr19-11027921-A-G. GRCh37 (hg19) VCF-style: chr19-11138597-A-G.
Other names: c.3353A>G, p.Tyr1118Cys (NM_001387283.1, NM_001128844.3, NM_001128845.2 and 5 more transcripts); c.3353A>G (NM_001128849.1); short protein forms Y1118C.
Identifiers: ClinVar variation 1399628 (VCV001399628.7), dbSNP rs2146545716, ClinGen allele CA404061858.

ClinVar aggregate classification (germline): Uncertain significance. Review status: criteria provided, multiple submitters, no conflicts (2 of 4 stars). 2 submissions from 2 submitters: Uncertain significance (2). Last evaluated 2026-01-19.

Conditions:
Rhabdoid tumor predisposition syndrome 2 (RTPS2). Identifiers: Orphanet 231108, Orphanet 69077, MedGen C2750074, MONDO:0013224, OMIM 613325.
Hereditary cancer-predisposing syndrome. Also called: Hereditary neoplastic syndrome; Tumor predisposition; Neoplastic Syndromes, Hereditary; Hereditary Cancer Syndrome. Identifiers: Orphanet 140162, MedGen C0027672, MeSH D009386, MONDO:0015356.

Submissions (2):

Labcorp Genetics (formerly Invitae), Labcorp
Classification: Uncertain significance for Rhabdoid tumor predisposition syndrome 2. Last evaluated: 2026-01-19. Review status: criteria provided, single submitter. Criteria: Invitae Variant Classification Sherloc (09022015). Collection method: clinical testing. Allele origin: germline.
Comment: This sequence change replaces tyrosine, which is neutral and polar, with cysteine, which is neutral and slightly polar, at codon 1118 of the SMARCA4 protein (p.Tyr1118Cys). This variant is not present in population databases (gnomAD no frequency). This variant has not been reported in the literature in individuals affected with SMARCA4-related conditions. ClinVar contains an entry for this variant (Variation ID: 1399628). Invitae Evidence Modeling of protein sequence and biophysical properties (such as structural, functional, and spatial information, amino acid conservation, physicochemical variation, residue mobility, and thermodynamic stability) has been performed for this missense variant. However, the output from this modeling did not meet the statistical confidence thresholds required to predict the impact of this variant on SMARCA4 protein function. In summary, the available evidence is currently insufficient to determine the role of this variant in disease. Therefore, it has been classified as a Variant of Uncertain Significance.

Ambry Genetics
Classification: Uncertain significance for Hereditary cancer-predisposing syndrome. Last evaluated: 2026-01-10. Review status: criteria provided, single submitter. Criteria: Ambry Variant Classification Scheme 2023. Collection method: clinical testing. Allele origin: germline.
Comment: The p.Y1118C variant (also known as c.3353A>G), located in coding exon 23 of the SMARCA4 gene, results from an A to G substitution at nucleotide position 3353. The tyrosine at codon 1118 is replaced by cysteine, an amino acid with highly dissimilar properties. This amino acid position is conserved. In addition, the in silico prediction for this alteration is inconclusive. Based on the available evidence, the clinical significance of this variant remains unclear.